The following is an entry in ClinVar:

ClinVar aggregate classification (germline): Benign/Likely benign. Review status: criteria provided, multiple submitters, no conflicts (2 of 4 stars). 6 submissions from 6 submitters: Benign (2); Likely benign (4). Last evaluated 2026-06-18.

Conditions:
BAP1-related disorder. Also called: BAP1-related condition.
Hereditary cancer-predisposing syndrome. Also called: Hereditary Cancer Syndrome; Tumor predisposition; Hereditary neoplastic syndrome; Neoplastic Syndromes, Hereditary. Identifiers: Orphanet 140162, MedGen C0027672, MeSH D009386, MONDO:0015356.
BAP1-related tumor predisposition syndrome (TPDS1). Also called: TUMOR PREDISPOSITION SYNDROME 1; Tumor susceptibility linked to germline BAP1 mutations; BAP1 tumor predisposition syndrome; COMMON Syndrome. Identifiers: Orphanet 289539, MedGen C3280492, MONDO:0013692, OMIM 614327.

Allele frequency attached by ClinVar (database versions not stated): gnomAD exomes 0.00004 and 0.00012; ExAC 0.00008; gnomAD 0.00009 and 0.00011; TOPMed 0.00012; 1000 Genomes Project 30x 0.00016; 1000 Genomes Project 0.00020.
gnomAD v4.1: 84 of 1,614,214 alleles (0.0052%); highest among the groups gnomAD compares: East Asian, 0.089%; no homozygotes.

Submissions (6):

PreventionGenetics, part of Exact Sciences
Classification: Likely benign for BAP1-related condition. Last evaluated: 2026-06-18. Review status: criteria provided, single submitter. Criteria: ACMG Guidelines, 2015. Collection method: clinical testing. Allele origin: germline.
Comment: This variant is classified as likely benign based on ACMG/AMP sequence variant interpretation guidelines (Richards et al. 2015 PMID: 25741868, with internal and published modifications).

Labcorp Genetics (formerly Invitae), Labcorp
Classification: Benign for BAP1-related tumor predisposition syndrome. Last evaluated: 2026-02-04. Review status: criteria provided, single submitter. Criteria: Invitae Variant Classification Sherloc (09022015). Collection method: clinical testing. Allele origin: germline.

Myriad Genetics, Inc.
Classification: Benign for BAP1-related tumor predisposition syndrome. Last evaluated: 2024-07-17. Review status: criteria provided, single submitter. Criteria: Myriad Autosomal Dominant, Autosomal Recessive and X-Linked Classification Criteria (2023). Collection method: clinical testing. Allele origin: unknown.
Comment: This variant is considered benign. This variant is a silent/synonymous amino acid change and it is not expected to impact splicing.

GeneDx
Classification: Likely benign. Last evaluated: 2020-02-29. Review status: criteria provided, single submitter. Criteria: GeneDx Variant Classification Process June 2021. Collection method: clinical testing. Allele origin: germline. Affected: yes.

Color Diagnostics, LLC DBA Color Health
Classification: Likely benign for Hereditary cancer-predisposing syndrome. Last evaluated: 2017-01-17. Review status: criteria provided, single submitter. Criteria: ACMG Guidelines, 2015. Collection method: clinical testing. Allele origin: germline.

Ambry Genetics
Classification: Likely benign for Hereditary cancer-predisposing syndrome. Last evaluated: 2016-12-30. Review status: criteria provided, single submitter. Criteria: Ambry Variant Classification Scheme 2023. Collection method: clinical testing. Allele origin: germline.

NM_004656.4(BAP1):c.2013C>T (p.Tyr671=)

Gene: BAP1 (BRCA1 associated deubiquitinase 1; minus strand). Cytogenetic location: 3p21.1.
Variant type: single nucleotide variant.
Coding change: c.2013C>T on transcript NM_004656.4 (MANE Select); coding-DNA position 2013, C replaced by T.
Protein change: p.Tyr671=; no amino-acid change (tyrosine 671 retained).
Molecular consequence: synonymous variant.
Genome position (GRCh38, 1-based): chr3:52,402,645, G>A on the plus strand (C>T on the coding strand, the complement: BAP1 is on the minus strand). VCF-style: chr3-52402645-G-A. GRCh37 (hg19) VCF-style: chr3-52436661-G-A.
Other names: c.2013C>T (LRG_529t1).
Identifiers: ClinVar variation 417283 (VCV000417283.21), dbSNP rs200194082, ClinGen allele CA2436621.